The following is an entry in ClinVar:

NM_006063.3(KLHL41):c.614G>A (p.Arg205Gln)

Gene: KLHL41 (kelch like family member 41; plus strand). Cytogenetic location: 2q31.1.
Variant type: single nucleotide variant.
Coding change: c.614G>A on transcript NM_006063.3 (MANE Select); coding-DNA position 614, G replaced by A.
Protein change: p.Arg205Gln; replaces arginine 205 with glutamine.
Molecular consequence: missense variant.
Genome position (GRCh38, 1-based): chr2:169,510,392, G>A. VCF-style: chr2-169510392-G-A. GRCh37 (hg19) VCF-style: chr2-170366902-G-A.
Other names: short protein forms R205Q.
Identifiers: ClinVar variation 474873 (VCV000474873.10), dbSNP rs576773055, ClinGen allele CA1956530.

ClinVar aggregate classification (germline): Uncertain significance. Review status: criteria provided, multiple submitters, no conflicts (2 of 4 stars). 2 submissions from 2 submitters: Uncertain significance (2). Last evaluated 2022-10-13.

Conditions:
Nemaline myopathy 9 (NEM9). Identifiers: MedGen C3810384, MONDO:0014326, OMIM 615731.

Allele frequency attached by ClinVar (database versions not stated): gnomAD 0.00002 and 0.00003; gnomAD exomes 0.00002; ExAC 0.00003; TOPMed 0.00004; 1000 Genomes Project 30x 0.00031; 1000 Genomes Project 0.00040.
gnomAD v4.1: 9 of 1,614,054 alleles (0.00056%); highest among the groups gnomAD compares: African/African-American, 0.008%; no homozygotes.

Submissions (2):

Labcorp Genetics (formerly Invitae), Labcorp
Classification: Uncertain significance for Nemaline myopathy 9. Last evaluated: 2022-10-13. Review status: criteria provided, single submitter. Criteria: Invitae Variant Classification Sherloc (09022015). Collection method: clinical testing. Allele origin: germline.
Comment: This sequence change replaces arginine, which is basic and polar, with glutamine, which is neutral and polar, at codon 205 of the KLHL41 protein (p.Arg205Gln). This variant is present in population databases (rs576773055, gnomAD 0.02%). This variant has not been reported in the literature in individuals affected with KLHL41-related conditions. ClinVar contains an entry for this variant (Variation ID: 474873). Advanced modeling of protein sequence and biophysical properties (such as structural, functional, and spatial information, amino acid conservation, physicochemical variation, residue mobility, and thermodynamic stability) performed at Invitae indicates that this missense variant is not expected to disrupt KLHL41 protein function. In summary, the available evidence is currently insufficient to determine the role of this variant in disease. Therefore, it has been classified as a Variant of Uncertain Significance.

GeneDx
Classification: Uncertain significance. Last evaluated: 2019-07-25. Review status: criteria provided, single submitter. Criteria: GeneDx Variant Classification Process June 2021. Collection method: clinical testing. Allele origin: germline. Affected: yes.
Comment: In silico analysis, which includes protein predictors and evolutionary conservation, supports that this variant does not alter protein structure/function; Has not been previously published as pathogenic or benign to our knowledge